The following is an entry in ClinVar:

ClinVar aggregate classification (germline): Uncertain significance (1 of 4 stars; one submission).

gnomAD v4.1: 1 of 1,613,964 alleles (0.000062%); highest among the groups gnomAD compares: Non-Finnish European, 0.000085%; no homozygotes.

Submission:

Labcorp Genetics (formerly Invitae), Labcorp
Classification: Uncertain significance. Last evaluated: 2022-06-23. Review status: criteria provided, single submitter. Criteria: Invitae Variant Classification Sherloc (09022015). Collection method: clinical testing. Allele origin: germline.
Comment: In summary, the available evidence is currently insufficient to determine the role of this variant in disease. Therefore, it has been classified as a Variant of Uncertain Significance. Algorithms developed to predict the effect of missense changes on protein structure and function (SIFT, PolyPhen-2, Align-GVGD) all suggest that this variant is likely to be disruptive. This variant has not been reported in the literature in individuals affected with LYN-related conditions. This variant is not present in population databases (gnomAD no frequency). This sequence change replaces arginine, which is basic and polar, with tryptophan, which is neutral and slightly polar, at codon 366 of the LYN protein (p.Arg366Trp).

NM_002350.4(LYN):c.1096C>T (p.Arg366Trp)

Gene: LYN (LYN proto-oncogene, Src family tyrosine kinase; plus strand). Cytogenetic location: 8q12.1.
Variant type: single nucleotide variant.
Coding change: c.1096C>T on transcript NM_002350.4 (MANE Select); coding-DNA position 1096, C replaced by T.
Protein change: p.Arg366Trp; replaces arginine 366 with tryptophan.
Molecular consequence: missense variant.
Genome position (GRCh38, 1-based): chr8:55,998,391, C>T. VCF-style: chr8-55998391-C-T. GRCh37 (hg19) VCF-style: chr8-56910950-C-T.
Other names: c.1033C>T, p.Arg345Trp (NM_001111097.3); short protein forms R345W, R366W.
Identifiers: ClinVar variation 2098405 (VCV002098405.4), dbSNP rs2130583403, ClinGen allele CA371288302.